The following is an entry in ClinVar:

NM_018344.6(SLC29A3):c.890C>T (p.Pro297Leu)

Gene: SLC29A3 (solute carrier family 29 member 3; plus strand). Cytogenetic location: 10q22.1.
Variant type: single nucleotide variant.
Coding change: c.890C>T on transcript NM_018344.6 (MANE Select); coding-DNA position 890, C replaced by T.
Protein change: p.Pro297Leu; replaces proline 297 with leucine.
Molecular consequence: missense variant. On other transcripts: 3 prime UTR variant (1), non-coding transcript variant (2).
Genome position (GRCh38, 1-based): chr10:71,362,070, C>T. VCF-style: chr10-71362070-C-T. GRCh37 (hg19) VCF-style: chr10-73121827-C-T.
Other names: c.*119C>T (NM_001174098.2); c.656C>T, p.Pro219Leu (NM_001363518.2); short protein forms P219L, P297L.
Identifiers: ClinVar variation 1427091 (VCV001427091.8), dbSNP rs779969612, ClinGen allele CA377114502.

ClinVar aggregate classification (germline): Uncertain significance (1 of 4 stars; one submission).

Conditions:
H syndrome. Also called: FAISALABAD HISTIOCYTOSIS; Histiocytosis with joint contractures and sensorineural deafness; Pigmented hypertrichosis and insulin-dependent diabetes mellitus; HISTIOCYTOSIS AND LYMPHADENOPATHY WITH OR WITHOUT CUTANEOUS, CARDIAC, AND/OR ENDOCRINE FEATURES, JOINT CONTRACTURES, AND/OR DEAFNESS; HYPERPIGMENTATION, CUTANEOUS, WITH HYPERTRICHOSIS, HEPATOSPLENOMEGALY, HEART ANOMALIES, AND HYPOGONADISM WITH OR WITHOUT HEARING LOSS; PIGMENTED HYPERTRICHOSIS WITH INSULIN-DEPENDENT DIABETES MELLITUS. Identifiers: Orphanet 168569, MedGen C1864445, MONDO:0011273, OMIM 602782.

Submission:

Labcorp Genetics (formerly Invitae), Labcorp
Classification: Uncertain significance for H syndrome. Last evaluated: 2023-12-27. Review status: criteria provided, single submitter. Criteria: Invitae Variant Classification Sherloc (09022015). Collection method: clinical testing. Allele origin: germline.
Comment: This sequence change replaces proline, which is neutral and non-polar, with leucine, which is neutral and non-polar, at codon 297 of the SLC29A3 protein (p.Pro297Leu). This variant is not present in population databases (gnomAD no frequency). This variant has not been reported in the literature in individuals affected with SLC29A3-related conditions. ClinVar contains an entry for this variant (Variation ID: 1427091). Advanced modeling of protein sequence and biophysical properties (such as structural, functional, and spatial information, amino acid conservation, physicochemical variation, residue mobility, and thermodynamic stability) performed at Invitae indicates that this missense variant is not expected to disrupt SLC29A3 protein function with a negative predictive value of 80%. In summary, the available evidence is currently insufficient to determine the role of this variant in disease. Therefore, it has been classified as a Variant of Uncertain Significance.